The following is an entry in ClinVar:

ClinVar aggregate classification (germline): Uncertain significance (1 of 4 stars; one submission).

Conditions:
Mitochondrial DNA depletion syndrome 13. Also called: FBXL4-Related Encephalomyopathic Mitochondrial DNA Depletion Syndrome; Mitochondrial DNA depletion syndrome 13 (encephalomyopathic type). Identifiers: Orphanet 369897, MedGen C3809592, MONDO:0014198, OMIM 615471.

Allele frequency attached by ClinVar (database versions not stated): gnomAD exomes 0.00001; ExAC 0.00002.
gnomAD v4.1: 3 of 1,613,970 alleles (0.00019%); highest among the groups gnomAD compares: Admixed American, 0.005%; no homozygotes.

Submission:

Wong Mito Lab, Molecular and Human Genetics, Baylor College of Medicine
Classification: Uncertain significance for Mitochondrial DNA depletion syndrome 13. Last evaluated: 2017-08-10. Review status: criteria provided, single submitter. Criteria: ACMG Guidelines, 2015. Collection method: reference population. Allele origin: germline.
Comment: The NM_012160.4:c.1087G>T (NP_036292.2:p.Val363Phe) [GRCH38: NC_000006.12:g.98905442C>A] variant in FBXL4 gene is interpretated to be a Uncertain Significance - Insufficient Evidence based on ACMG guidelines (PMID: 25741868). This variant meets one or more of the following evidence codes reported in the ACMG-guideline. PM2:This variant is absent in key population databases. Based on this evidence code ClinGen Pathogenicity Calculator (PMID:28081714) suggested that the variant is Uncertain Significance - Insufficient Evidence.

NM_001278716.2(FBXL4):c.1087G>T (p.Val363Phe)

Gene: FBXL4 (F-box and leucine rich repeat protein 4; minus strand). Cytogenetic location: 6q16.2.
Variant type: single nucleotide variant.
Coding change: c.1087G>T on transcript NM_001278716.2 (MANE Select); coding-DNA position 1087, G replaced by T.
Protein change: p.Val363Phe; replaces valine 363 with phenylalanine.
Molecular consequence: missense variant. On other transcripts: non-coding transcript variant (2).
Genome position (GRCh38, 1-based): chr6:98,905,442, C>A on the plus strand (G>T on the coding strand, the complement: FBXL4 is on the minus strand). VCF-style: chr6-98905442-C-A. GRCh37 (hg19) VCF-style: chr6-99353318-C-A.
Other names: c.1087G>T, p.Val363Phe (NM_012160.5); short protein forms V363F.
Identifiers: ClinVar variation 437686 (VCV000437686.1), dbSNP rs759753713, ClinGen allele CA3933551.